The following is an entry in ClinVar:

ClinVar aggregate classification (germline): Uncertain significance. Review status: criteria provided, multiple submitters, no conflicts (2 of 4 stars). 2 submissions from 2 submitters: Uncertain significance (2). Last evaluated 2026-06-08.

Conditions:
Marfan syndrome (MFS). Also called: FBN1-Related Marfan Syndrome; Marfan syndrome type 1; Marfan's syndrome; Marfan syndrome, classic; MARFAN SYNDROME, TYPE I. Identifiers: Orphanet 284963, Orphanet 558, MedGen C0024796, MONDO:0007947, OMIM 154700.

Allele frequency attached by ClinVar (database versions not stated): gnomAD exomes below 0.00001.

Submissions (2):

Women's Health and Genetics/Laboratory Corporation of America, LabCorp
Classification: Uncertain significance. Last evaluated: 2026-06-08. Review status: criteria provided, single submitter. Criteria: LabCorp Variant Classification Summary - May 2015. Collection method: clinical testing. Allele origin: germline.
Comment: Variant summary: FBN1 c.56C>T (p.Ser19Phe) results in a non-conservative amino acid change in the encoded protein sequence. Algorithms developed to predict the effect of missense changes on protein structure and function are either unavailable or do not agree on the potential impact of this missense change. The variant was absent in 251328 control chromosomes. The available data on variant occurrences in the general population are insufficient to allow any conclusion about variant significance. To our knowledge, no occurrence of c.56C>T in individuals affected with FBN1-related conditions and no experimental evidence demonstrating its impact on protein function have been reported. ClinVar contains an entry for this variant (Variation ID: 36094). Based on the evidence outlined above, the variant was classified as uncertain significance.

All of Us Research Program, National Institutes of Health
Classification: Uncertain significance for Marfan syndrome. Last evaluated: 2024-05-09. Review status: criteria provided, single submitter. Criteria: ACMG Guidelines, 2015. Collection method: clinical testing. Allele origin: germline. Inheritance: Autosomal dominant inheritance. Observed: 1 variant allele, 1 heterozygote.
Comment: This study involves interpretation of variants in research participants for the purpose of population health screening. Participant phenotype was not available at the time of variant classification. Additional details can be found in publication PMID: 35346344, PMCID: PMC8962531

NM_000138.5(FBN1):c.56C>T (p.Ser19Phe)

Genes: FBN1 (fibrillin 1; minus strand), LOC130057019 (ATAC-STARR-seq lymphoblastoid silent region 6417; plus strand). Cytogenetic location: 15q21.1.
Variant type: single nucleotide variant.
Coding change: c.56C>T on transcript NM_000138.5 (MANE Select); coding-DNA position 56, C replaced by T.
Protein change: p.Ser19Phe; replaces serine 19 with phenylalanine.
Molecular consequence: missense variant.
Genome position (GRCh38, 1-based): chr15:48,644,714, G>A on the plus strand (C>T on the coding strand, the complement: FBN1 is on the minus strand). VCF-style: chr15-48644714-G-A. GRCh37 (hg19) VCF-style: chr15-48936911-G-A.
Other names: short protein forms S19F.
Identifiers: ClinVar variation 36094 (VCV000036094.5), dbSNP rs193922218, ClinGen allele CA015969.